The following is an entry in ClinVar:

NM_001170700.3(DTHD1):c.2033A>G (p.His678Arg)

Gene: DTHD1 (death domain containing 1; plus strand). Cytogenetic location: 4p14.
Variant type: single nucleotide variant.
Coding change: c.2033A>G on transcript NM_001170700.3 (MANE Select); coding-DNA position 2033, A replaced by G.
Protein change: p.His678Arg; replaces histidine 678 with arginine.
Molecular consequence: missense variant. On other transcripts: non-coding transcript variant (2).
Genome position (GRCh38, 1-based): chr4:36,308,431, A>G. VCF-style: chr4-36308431-A-G. GRCh37 (hg19) VCF-style: chr4-36310053-A-G.
Other names: c.1163A>G, p.His388Arg (NM_001136536.5); c.1100A>G, p.His367Arg (NM_001378435.1); short protein forms H388R, H678R, H367R.
Identifiers: ClinVar variation 2129158 (VCV002129158.4), dbSNP rs1757187624, ClinGen allele CA356681148.

ClinVar aggregate classification (germline): Uncertain significance (1 of 4 stars; one submission).

Allele frequency attached by ClinVar (database versions not stated): TOPMed below 0.00001; gnomAD 0.00001; gnomAD exomes 0.00001.
gnomAD v4.1: 14 of 1,551,752 alleles (0.0009%); highest among the groups gnomAD compares: African/African-American, 0.0027%; no homozygotes.

Submission:

Labcorp Genetics (formerly Invitae), Labcorp
Classification: Uncertain significance. Last evaluated: 2022-09-17. Review status: criteria provided, single submitter. Criteria: Invitae Variant Classification Sherloc (09022015). Collection method: clinical testing. Allele origin: germline.
Comment: In summary, the available evidence is currently insufficient to determine the role of this variant in disease. Therefore, it has been classified as a Variant of Uncertain Significance. Algorithms developed to predict the effect of missense changes on protein structure and function output the following: SIFT: "Tolerated"; PolyPhen-2: "Benign"; Align-GVGD: "Class C0". The arginine amino acid residue is found in multiple mammalian species, which suggests that this missense change does not adversely affect protein function. This variant has not been reported in the literature in individuals affected with DTHD1-related conditions. This variant is not present in population databases (gnomAD no frequency). This sequence change replaces histidine, which is basic and polar, with arginine, which is basic and polar, at codon 388 of the DTHD1 protein (p.His388Arg).